The following is an entry in ClinVar:

NM_001261826.3(AP3D1):c.2975A>G (p.Tyr992Cys)

Gene: AP3D1 (adaptor related protein complex 3 subunit delta 1; minus strand). Cytogenetic location: 19p13.3.
Variant type: single nucleotide variant.
Coding change: c.2975A>G on transcript NM_001261826.3 (MANE Select); coding-DNA position 2975, A replaced by G.
Protein change: p.Tyr992Cys; replaces tyrosine 992 with cysteine.
Molecular consequence: missense variant.
Genome position (GRCh38, 1-based): chr19:2,111,295, T>C on the plus strand (A>G on the coding strand, the complement: AP3D1 is on the minus strand). VCF-style: chr19-2111295-T-C. GRCh37 (hg19) VCF-style: chr19-2111294-T-C.
Other names: c.2939A>G, p.Tyr980Cys (NM_001374799.1); c.2789A>G, p.Tyr930Cys (NM_003938.8); short protein forms Y930C, Y992C, Y980C.
Identifiers: ClinVar variation 2999381 (VCV002999381.3), dbSNP rs752467527, ClinGen allele CA9058617.

ClinVar aggregate classification (germline): Uncertain significance (1 of 4 stars; one submission).

Allele frequency attached by ClinVar (database versions not stated): TOPMed below 0.00001; ExAC 0.00001; gnomAD 0.00001; gnomAD exomes 0.00001.
gnomAD v4.1: 11 of 1,613,824 alleles (0.00068%); highest among the groups gnomAD compares: Admixed American, 0.0067%; no homozygotes.

Submission:

Labcorp Genetics (formerly Invitae), Labcorp
Classification: Uncertain significance. Last evaluated: 2023-10-14. Review status: criteria provided, single submitter. Criteria: Invitae Variant Classification Sherloc (09022015). Collection method: clinical testing. Allele origin: germline.
Comment: This sequence change replaces tyrosine, which is neutral and polar, with cysteine, which is neutral and slightly polar, at codon 992 of the AP3D1 protein (p.Tyr992Cys). This variant is present in population databases (rs752467527, gnomAD 0.006%). This variant has not been reported in the literature in individuals affected with AP3D1-related conditions. An algorithm developed to predict the effect of missense changes on protein structure and function (PolyPhen-2) suggests that this variant is likely to be tolerated. In summary, the available evidence is currently insufficient to determine the role of this variant in disease. Therefore, it has been classified as a Variant of Uncertain Significance.